The following is an entry in ClinVar:

ClinVar aggregate classification (germline): Likely benign (0 of 4 stars; one submission).

Conditions:
STRA6-related disorder. Also called: STRA6-related condition.

Allele frequency attached by ClinVar (database versions not stated): ExAC 0.00003; gnomAD exomes 0.00004; TOPMed 0.00005; gnomAD 0.00006; ESP Exome Variant Server 0.00015.
gnomAD v4.1: 68 of 1,613,454 alleles (0.0042%); highest among the groups gnomAD compares: Non-Finnish European, 0.0054%; no homozygotes.

Submission:

PreventionGenetics, part of Exact Sciences
Classification: Likely benign for STRA6-related condition. Last evaluated: 2019-02-22. Review status: no assertion criteria provided. Collection method: clinical testing. Allele origin: germline.
Comment: This variant is classified as likely benign based on ACMG/AMP sequence variant interpretation guidelines (Richards et al. 2015 PMID: 25741868, with internal and published modifications).

NM_022369.4(STRA6):c.267-4C>T

Gene: STRA6 (signaling receptor and transporter of retinol STRA6; minus strand). Cytogenetic location: 15q24.1.
Variant type: single nucleotide variant.
Coding change: c.267-4C>T on transcript NM_022369.4 (MANE Select); 4 bases into the intron before coding-DNA position 267, C replaced by T.
Molecular consequence: intron variant.
Genome position (GRCh38, 1-based): chr15:74,196,151, G>A on the plus strand (C>T on the coding strand, the complement: STRA6 is on the minus strand). VCF-style: chr15-74196151-G-A. GRCh37 (hg19) VCF-style: chr15-74488492-G-A.
Other names: c.378-4C>T (NM_001199040.2); c.267-31C>T (NM_001142619.2); c.267-4C>T (NM_001142617.2, NM_001142618.2, NM_001142620.2); c.312-4C>T (NM_001199041.2); c.384-4C>T (NM_001199042.2).
Identifiers: ClinVar variation 3058495 (VCV003058495.2), dbSNP rs369876289, ClinGen allele CA7655043.